The following is an entry in ClinVar:

NM_006531.5(IFT88):c.1283A>G (p.Gln428Arg)

Gene: IFT88 (intraflagellar transport 88; plus strand). Cytogenetic location: 13q12.11.
Variant type: single nucleotide variant.
Coding change: c.1283A>G on transcript NM_006531.5 (MANE Select); coding-DNA position 1283, A replaced by G.
Protein change: p.Gln428Arg; replaces glutamine 428 with arginine.
Molecular consequence: missense variant. On other transcripts: non-coding transcript variant (5).
Genome position (GRCh38, 1-based): chr13:20,625,833, A>G. VCF-style: chr13-20625833-A-G. GRCh37 (hg19) VCF-style: chr13-21199972-A-G.
Other names: c.1310A>G (NM_175605.3); c.1226A>G, p.Gln409Arg (NM_001318491.2, NM_001353575.2); c.1310A>G, p.Gln437Arg (NM_001318493.2, NM_001353565.2, NM_001353566.2 and 2 more transcripts); c.1283A>G, p.Gln428Arg (NM_001353568.2, NM_001353572.2); c.1208A>G, p.Gln403Arg (NM_001353569.2, NM_001353570.2, NM_001353576.2 and 1 more transcripts); c.1181A>G, p.Gln394Arg (NM_001353571.2, NM_001353578.2); c.1139A>G, p.Gln380Arg (NM_001353573.2); c.1124A>G, p.Gln375Arg (NM_001353574.2); and 1 more; short protein forms Q403R, Q428R, Q375R, Q394R, Q437R, Q217R, Q380R, Q409R.
Identifiers: ClinVar variation 2968783 (VCV002968783.4), dbSNP rs1473050785, ClinGen allele CA387472204.
Genomic context (GRCh38, chr13:20,625,833, plus strand): 5'-CTCAATATGTAGAGCTAGCCAATGATCTGGAAATAAACAAAGCAGTTACATACTTGAGAC[A>G]AAAAGACTATAACCAAGTAAGTTTTAAAAAAAATTTTAGATGGAATTCCATATCTTAATT-3'
Protein context (NP_006522.2, residues 418-438): EINKAVTYLR[Gln428Arg]KDYNQAVEIL

ClinVar aggregate classification (germline): Uncertain significance. Review status: criteria provided, multiple submitters, no conflicts (2 of 4 stars). 2 submissions from 2 submitters: Uncertain significance (2). Last evaluated 2025-03-17.

Allele frequency attached by ClinVar (database versions not stated): gnomAD 0.00001; gnomAD exomes 0.00001; TOPMed below 0.00001.
gnomAD v4.1: 9 of 1,592,126 alleles (0.00057%); highest among the groups gnomAD compares: Non-Finnish European, 0.00077%; no homozygotes.

Submissions (2):

Labcorp Genetics (formerly Invitae), Labcorp
Classification: Uncertain significance. Last evaluated: 2025-03-17. Review status: criteria provided, single submitter. Criteria: Invitae Variant Classification Sherloc (09022015). Collection method: clinical testing. Allele origin: germline.
Comment: This sequence change replaces glutamine, which is neutral and polar, with arginine, which is basic and polar, at codon 437 of the IFT88 protein (p.Gln437Arg). This variant is present in population databases (no rsID available, gnomAD 0.007%). This variant has not been reported in the literature in individuals affected with IFT88-related conditions. ClinVar contains an entry for this variant (Variation ID: 2968783). An algorithm developed to predict the effect of missense changes on protein structure and function (PolyPhen-2) suggests that this variant is likely to be tolerated. In summary, the available evidence is currently insufficient to determine the role of this variant in disease. Therefore, it has been classified as a Variant of Uncertain Significance.

Ambry Genetics
Classification: Uncertain significance. Last evaluated: 2024-04-01. Review status: criteria provided, single submitter. Criteria: Ambry Variant Classification Scheme 2023. Collection method: clinical testing. Allele origin: germline.